The following is an entry in ClinVar:

NC_000022.11:g.40345596G>A

Gene: ADSL (adenylosuccinate lyase; plus strand). Cytogenetic location: 22q13.1.
Variant type: single nucleotide variant.
Genome position: GRCh38 VCF-style: chr22-40345596-G-A. GRCh37 (hg19) VCF-style: chr22-40741600-G-A.
Identifiers: ClinVar variation 1899312 (VCV001899312.3), dbSNP rs1452350017, ClinGen allele CA753179520.

ClinVar aggregate classification (germline): Uncertain significance (1 of 4 stars; one submission).

Conditions:
Adenylosuccinate lyase deficiency (ADSLD). Also called: ADSL DEFICIENCY. Identifiers: Orphanet 46, MedGen C0268126, MONDO:0007068, OMIM 103050.

Allele frequency attached by ClinVar (database versions not stated): gnomAD 0.00001; TOPMed 0.00002.

Submission:

Labcorp Genetics (formerly Invitae), Labcorp
Classification: Uncertain significance for Adenylosuccinate lyase deficiency. Last evaluated: 2022-10-24. Review status: criteria provided, single submitter. Criteria: Invitae Variant Classification Sherloc (09022015). Collection method: clinical testing. Allele origin: germline.
Comment: This variant occurs in a non-coding region of the ADSL gene. It does not change the encoded amino acid sequence of the ADSL protein. This variant is not present in population databases (gnomAD no frequency). This variant has not been reported in the literature in individuals affected with ADSL-related conditions. Experimental studies and prediction algorithms are not available or were not evaluated, and the functional significance of this variant is currently unknown. In summary, the available evidence is currently insufficient to determine the role of this variant in disease. Therefore, it has been classified as a Variant of Uncertain Significance.